The following is an entry in ClinVar:

NM_173076.3(ABCA12):c.2332+2T>C

Gene: ABCA12 (ATP binding cassette subfamily A member 12; minus strand). Cytogenetic location: 2q35.
Variant type: single nucleotide variant.
Coding change: c.2332+2T>C on transcript NM_173076.3 (MANE Select); the canonical splice donor site of the intron after coding-DNA position 2332, T replaced by C.
Molecular consequence: splice donor variant.
Genome position (GRCh38, 1-based): chr2:215,011,437, A>G on the plus strand (T>C on the coding strand, the complement: ABCA12 is on the minus strand). VCF-style: chr2-215011437-A-G. GRCh37 (hg19) VCF-style: chr2-215876161-A-G.
Other names: c.1378+2T>C (NM_015657.4).
Identifiers: ClinVar variation 2794007 (VCV002794007.3), dbSNP rs2469315499, ClinGen allele CA350483375.

ClinVar aggregate classification (germline): Pathogenic (1 of 4 stars; one submission).

Submission:

Labcorp Genetics (formerly Invitae), Labcorp
Classification: Pathogenic. Last evaluated: 2023-03-30. Review status: criteria provided, single submitter. Criteria: Invitae Variant Classification Sherloc (09022015). Collection method: clinical testing. Allele origin: germline.
Comment: This sequence change affects a donor splice site in intron 17 of the ABCA12 gene. It is expected to disrupt RNA splicing. Variants that disrupt the donor or acceptor splice site typically lead to a loss of protein function (PMID: 16199547), and loss-of-function variants in ABCA12 are known to be pathogenic (PMID: 20672373). This variant is not present in population databases (gnomAD no frequency). Disruption of this splice site has been observed in individuals with congenital ichythyosis (PMID: 22992804, 31168818; Invitae). Algorithms developed to predict the effect of sequence changes on RNA splicing suggest that this variant may disrupt the consensus splice site. For these reasons, this variant has been classified as Pathogenic.

Literature cited by the submitters: PubMed 16199547; PubMed 20672373; PubMed 22992804; PubMed 31168818.